The following is an entry in ClinVar:

ClinVar aggregate classification (germline): Uncertain significance (1 of 4 stars; one submission).

Allele frequency attached by ClinVar (database versions not stated): gnomAD exomes below 0.00001; TOPMed 0.00001.
gnomAD v4.1: 2 of 1,613,998 alleles (0.00012%); highest among the groups gnomAD compares: Non-Finnish European, 0.000085%; no homozygotes.

Submission:

GeneDx
Classification: Uncertain significance. Last evaluated: 2019-08-13. Review status: criteria provided, single submitter. Criteria: GeneDx Variant Classification Process June 2021. Collection method: clinical testing. Allele origin: germline. Affected: yes.
Comment: Not observed at a significant frequency in large population cohorts (Lek et al., 2016); In silico analysis, which includes protein predictors and evolutionary conservation, supports that this variant does not alter protein structure/function; Has not been previously published as pathogenic or benign to our knowledge

NM_013275.6(ANKRD11):c.7714G>A (p.Gly2572Ser)

Gene: ANKRD11 (ankyrin repeat domain containing 11; minus strand). Cytogenetic location: 16q24.3.
Variant type: single nucleotide variant.
Coding change: c.7714G>A on transcript NM_013275.6 (MANE Select); coding-DNA position 7714, G replaced by A.
Protein change: p.Gly2572Ser; replaces glycine 2572 with serine.
Molecular consequence: missense variant.
Genome position (GRCh38, 1-based): chr16:89,270,909, C>T on the plus strand (G>A on the coding strand, the complement: ANKRD11 is on the minus strand). VCF-style: chr16-89270909-C-T. GRCh37 (hg19) VCF-style: chr16-89337317-C-T.
Other names: c.7714G>A, p.Gly2572Ser (NM_001256182.2, NM_001256183.2); short protein forms G2572S.
Identifiers: ClinVar variation 1307489 (VCV001307489.2), dbSNP rs1440898638, ClinGen allele CA397146721.